The following is an entry in ClinVar:

NM_198578.4(LRRK2):c.367A>G (p.Thr123Ala)

Gene: LRRK2 (leucine rich repeat kinase 2; plus strand). Cytogenetic location: 12q12.
Variant type: single nucleotide variant.
Coding change: c.367A>G on transcript NM_198578.4 (MANE Select); coding-DNA position 367, A replaced by G.
Protein change: p.Thr123Ala; replaces threonine 123 with alanine.
Molecular consequence: missense variant.
Genome position (GRCh38, 1-based): chr12:40,235,645, A>G. VCF-style: chr12-40235645-A-G. GRCh37 (hg19) VCF-style: chr12-40629447-A-G.
Other names: short protein forms T123A.
Identifiers: ClinVar variation 3540708 (VCV003540708.1).

ClinVar aggregate classification (germline): Uncertain significance (1 of 4 stars; one submission).

Conditions:
Inborn genetic diseases. Identifiers: MedGen C0950123, MeSH D030342.

gnomAD v4.1: 1 of 1,606,348 alleles (0.000062%); highest among the groups gnomAD compares: Non-Finnish European, 0.000085%; no homozygotes.

Submission:

Ambry Genetics
Classification: Uncertain significance for Inborn genetic diseases. Last evaluated: 2024-09-30. Review status: criteria provided, single submitter. Criteria: Ambry Variant Classification Scheme 2023. Collection method: clinical testing. Allele origin: germline.
Comment: The p.T123A variant (also known as c.367A>G), located in coding exon 4 of the LRRK2 gene, results from an A to G substitution at nucleotide position 367. The threonine at codon 123 is replaced by alanine, an amino acid with similar properties. This amino acid position is conserved. In addition, this alteration is predicted to be tolerated by in silico analysis. Based on the available evidence, the clinical significance of this variant remains unclear.